The following is an entry in ClinVar:

ClinVar aggregate classification (germline): Uncertain significance (1 of 4 stars; one submission).

Allele frequency attached by ClinVar (database versions not stated): gnomAD exomes below 0.00001.
gnomAD v4.1: 1 of 1,614,132 alleles (0.000062%); highest among the groups gnomAD compares: Admixed American, 0.0017%; no homozygotes.

Submission:

Ambry Genetics
Classification: Uncertain significance. Last evaluated: 2023-12-15. Review status: criteria provided, single submitter. Criteria: Ambry Variant Classification Scheme 2023. Collection method: clinical testing. Allele origin: germline.
Comment: The p.R169C variant (also known as c.505C>T), located in coding exon 5 of the KIF1B gene, results from a C to T substitution at nucleotide position 505. The arginine at codon 169 is replaced by cysteine, an amino acid with highly dissimilar properties. This amino acid position is highly conserved in available vertebrate species. In addition, this alteration is predicted to be deleterious by in silico analysis. The evidence for this gene-disease relationship is limited; therefore, the clinical significance of this alteration is unclear.

NM_001365951.3(KIF1B):c.505C>T (p.Arg169Cys)

Gene: KIF1B (kinesin family member 1B; plus strand). Cytogenetic location: 1p36.22.
Variant type: single nucleotide variant.
Coding change: c.505C>T on transcript NM_001365951.3 (MANE Select); coding-DNA position 505, C replaced by T.
Protein change: p.Arg169Cys; replaces arginine 169 with cysteine.
Molecular consequence: missense variant.
Genome position (GRCh38, 1-based): chr1:10,267,455, C>T. VCF-style: chr1-10267455-C-T. GRCh37 (hg19) VCF-style: chr1-10327513-C-T.
Other names: c.505C>T, p.Arg169Cys (NM_001365952.1, NM_001365953.1, NM_015074.3 and 1 more transcripts); short protein forms R169C.
Identifiers: ClinVar variation 3226532 (VCV003226532.1), dbSNP rs1485117596, ClinGen allele CA338329351.
Genomic context (GRCh38, chr1:10,267,455, plus strand): 5'-ATTTACTGTGAAAGAGTACGAGATTTGCTGAATCCAAAAAACAAGGGTAATTTGCGTGTG[C>T]GTGAACACCCACTTCTTGGACCCTATGTGGAGGATCTGTCCAAGTTGGCAGTTACTTCCT-3'
Protein context (NP_001352880.1, residues 159-179): NPKNKGNLRV[Arg169Cys]EHPLLGPYVE